The following is an entry in ClinVar:

NM_001031689.3(PLAA):c.197A>G (p.Asn66Ser)

Gene: PLAA (phospholipase A2 activating protein; minus strand). Cytogenetic location: 9p21.2.
Variant type: single nucleotide variant.
Coding change: c.197A>G on transcript NM_001031689.3 (MANE Select); coding-DNA position 197, A replaced by G.
Protein change: p.Asn66Ser; replaces asparagine 66 with serine.
Molecular consequence: missense variant.
Genome position (GRCh38, 1-based): chr9:26,935,159, T>C on the plus strand (A>G on the coding strand, the complement: PLAA is on the minus strand). VCF-style: chr9-26935159-T-C. GRCh37 (hg19) VCF-style: chr9-26935157-T-C.
Other names: c.197A>G, p.Asn66Ser (NM_001321546.2); c.197A>G (NM_001031689.2); short protein forms N66S.
Identifiers: ClinVar variation 2080275 (VCV002080275.2), dbSNP rs201898613, ClinGen allele CA5014701.

ClinVar aggregate classification (germline): Uncertain significance. Review status: criteria provided, multiple submitters, no conflicts (2 of 4 stars). 2 submissions from 2 submitters: Uncertain significance (2). Last evaluated 2025-10-18.

Conditions:
Inborn genetic diseases. Identifiers: MedGen C0950123, MeSH D030342.

Allele frequency attached by ClinVar (database versions not stated): gnomAD exomes 0.00004; ExAC 0.00007; gnomAD 0.00003; TOPMed 0.00003; ESP Exome Variant Server 0.00008.
gnomAD v4.1: 64 of 1,595,846 alleles (0.004%); highest among the groups gnomAD compares: South Asian, 0.021%; no homozygotes.

Submissions (2):

Ambry Genetics
Classification: Uncertain significance for Inborn genetic diseases. Last evaluated: 2025-10-18. Review status: criteria provided, single submitter. Criteria: Ambry Variant Classification Scheme 2023. Collection method: clinical testing. Allele origin: germline.

Labcorp Genetics (formerly Invitae), Labcorp
Classification: Uncertain significance. Last evaluated: 2022-04-25. Review status: criteria provided, single submitter. Criteria: Invitae Variant Classification Sherloc (09022015). Collection method: clinical testing. Allele origin: germline.
Comment: This sequence change replaces asparagine, which is neutral and polar, with serine, which is neutral and polar, at codon 66 of the PLAA protein (p.Asn66Ser). This variant is present in population databases (rs201898613, gnomAD 0.03%). This variant has not been reported in the literature in individuals affected with PLAA-related conditions. Algorithms developed to predict the effect of missense changes on protein structure and function are either unavailable or do not agree on the potential impact of this missense change (SIFT: "Tolerated"; PolyPhen-2: "Probably Damaging"; Align-GVGD: "Class C0"). In summary, the available evidence is currently insufficient to determine the role of this variant in disease. Therefore, it has been classified as a Variant of Uncertain Significance.